The following is an entry in ClinVar:

NM_007214.5(SEC63):c.1278C>T (p.Phe426=)

Gene: SEC63 (SEC63 protein translocation regulator; minus strand). Cytogenetic location: 6q21.
Variant type: single nucleotide variant.
Coding change: c.1278C>T on transcript NM_007214.5 (MANE Select); coding-DNA position 1278, C replaced by T.
Protein change: p.Phe426=; no amino-acid change (phenylalanine 426 retained).
Molecular consequence: synonymous variant.
Genome position (GRCh38, 1-based): chr6:107,901,449, G>A on the plus strand (C>T on the coding strand, the complement: SEC63 is on the minus strand). VCF-style: chr6-107901449-G-A. GRCh37 (hg19) VCF-style: chr6-108222653-G-A.
Identifiers: ClinVar variation 354905 (VCV000354905.18), dbSNP rs146559698, ClinGen allele CA3947429.

ClinVar aggregate classification (germline): Benign/Likely benign. Review status: criteria provided, multiple submitters, no conflicts (2 of 4 stars). 5 submissions from 5 submitters: Benign (4); Likely benign (1). Last evaluated 2026-01-23.

Conditions:
Polycystic liver disease 2 (PCLD2). Also called: Polycystic liver disease 2 with or without kidney cysts. Identifiers: Orphanet 2924, MedGen C4310769, MONDO:0014860, OMIM 617004.

Allele frequency attached by ClinVar (database versions not stated): ESP Exome Variant Server 0.00092; gnomAD 0.00093 and 0.00169; TOPMed 0.00125; gnomAD exomes 0.00250 and 0.00481; 1000 Genomes Project 30x 0.00515; ExAC 0.00535; 1000 Genomes Project 0.00539.
gnomAD v4.1: 3,950 of 1,611,738 alleles (0.25%); highest among the groups gnomAD compares: South Asian, 3%; 76 homozygotes.

Submissions (5):

Labcorp Genetics (formerly Invitae), Labcorp
Classification: Benign. Last evaluated: 2026-01-23. Review status: criteria provided, single submitter. Criteria: Invitae Variant Classification Sherloc (09022015). Collection method: clinical testing. Allele origin: germline.

Blueprint Genetics
Classification: Benign. Last evaluated: 2024-11-15. Review status: criteria provided, single submitter. Criteria: ACMG Guidelines, 2015. Collection method: clinical testing. Allele origin: germline.

Fulgent Genetics
Classification: Benign for Polycystic liver disease 2. Last evaluated: 2021-08-23. Review status: criteria provided, single submitter. Criteria: ACMG Guidelines, 2015. Collection method: clinical testing. Allele origin: unknown.

GeneDx
Classification: Likely benign. Last evaluated: 2020-07-10. Review status: criteria provided, single submitter. Criteria: GeneDx Variant Classification Process June 2021. Collection method: clinical testing. Allele origin: germline. Affected: yes.

Illumina Laboratory Services, Illumina
Classification: Benign for Polycystic liver disease 2. Last evaluated: 2018-01-12. Review status: criteria provided, single submitter. Criteria: ICSL Variant Classification Criteria 13 December 2019. Collection method: clinical testing. Allele origin: germline.
Comment: This variant was observed in the ICSL laboratory as part of a predisposition screen in an ostensibly healthy population. It had not been previously curated by ICSL or reported in the Human Gene Mutation Database (HGMD: prior to June 1st, 2018), and was therefore a candidate for classification through an automated scoring system. Utilizing variant allele frequency, disease prevalence and penetrance estimates, and inheritance mode, an automated score was calculated to assess if this variant is too frequent to cause the disease. Based on the score and internal cut-off values, a variant classified as benign is not then subjected to further curation. The score for this variant resulted in a classification of benign for this disease.